The following is an entry in ClinVar:

NM_182914.3(SYNE2):c.15112A>G (p.Thr5038Ala)

Gene: SYNE2 (spectrin repeat containing nuclear envelope protein 2; plus strand). Cytogenetic location: 14q23.2.
Variant type: single nucleotide variant.
Coding change: c.15112A>G on transcript NM_182914.3 (MANE Select); coding-DNA position 15112, A replaced by G.
Protein change: p.Thr5038Ala; replaces threonine 5038 with alanine.
Molecular consequence: missense variant.
Genome position (GRCh38, 1-based): chr14:64,141,476, A>G. VCF-style: chr14-64141476-A-G. GRCh37 (hg19) VCF-style: chr14-64608194-A-G.
Other names: c.15112A>G, p.Thr5038Ala (NM_015180.6); short protein forms T5038A.
Identifiers: ClinVar variation 4741117 (VCV004741117.1).

ClinVar aggregate classification (germline): Uncertain significance (1 of 4 stars; one submission).

Conditions:
Emery-Dreifuss muscular dystrophy 5, autosomal dominant (EDMD5). Also called: EMERY-DREIFUSS MUSCULAR DYSTROPHY 5. Identifiers: Orphanet 261, MedGen C2751805, MONDO:0013072, OMIM 612999.

gnomAD v4.1: 3 of 1,614,126 alleles (0.00019%); highest among the groups gnomAD compares: Non-Finnish European, 0.000085%; no homozygotes.

Submission:

Labcorp Genetics (formerly Invitae), Labcorp
Classification: Uncertain significance for Emery-Dreifuss muscular dystrophy 5, autosomal dominant. Last evaluated: 2025-02-25. Review status: criteria provided, single submitter. Criteria: Invitae Variant Classification Sherloc (09022015). Collection method: clinical testing. Allele origin: germline.
Comment: This sequence change replaces threonine, which is neutral and polar, with alanine, which is neutral and non-polar, at codon 5038 of the SYNE2 protein (p.Thr5038Ala). This variant is not present in population databases (gnomAD no frequency). This variant has not been reported in the literature in individuals affected with SYNE2-related conditions. An algorithm developed to predict the effect of missense changes on protein structure and function outputs the following: PolyPhen-2: "Possibly Damaging". The alanine amino acid residue is found in multiple mammalian species, which suggests that this missense change does not adversely affect protein function. In summary, the available evidence is currently insufficient to determine the role of this variant in disease. Therefore, it has been classified as a Variant of Uncertain Significance.